The following is an entry in ClinVar:

ClinVar aggregate classification (germline): Uncertain significance (1 of 4 stars; one submission).

Conditions:
Evans syndrome, immunodeficiency, and premature immunosenescence associated with tripeptidyl-peptidase II deficiency. Identifiers: MedGen CN231723. Disease mechanism: loss of function.

gnomAD v4.1: 20 of 1,613,312 alleles (0.0012%); highest among the groups gnomAD compares: Non-Finnish European, 0.0016%; no homozygotes.

Submission:

Labcorp Genetics (formerly Invitae), Labcorp
Classification: Uncertain significance for Evans syndrome, immunodeficiency, and premature immunosenescence associated with tripeptidyl-peptidase II deficiency. Last evaluated: 2024-09-11. Review status: criteria provided, single submitter. Criteria: Invitae Variant Classification Sherloc (09022015). Collection method: clinical testing. Allele origin: germline.
Comment: This sequence change replaces valine, which is neutral and non-polar, with phenylalanine, which is neutral and non-polar, at codon 549 of the TPP2 protein (p.Val549Phe). The frequency data for this variant in the population databases is considered unreliable, as metrics indicate poor data quality at this position in the gnomAD database. This variant has not been reported in the literature in individuals affected with TPP2-related conditions. An algorithm developed to predict the effect of missense changes on protein structure and function (PolyPhen-2) suggests that this variant is likely to be disruptive. In summary, the available evidence is currently insufficient to determine the role of this variant in disease. Therefore, it has been classified as a Variant of Uncertain Significance.

NM_001330588.2(TPP2):c.1645G>T (p.Val549Phe)

Gene: TPP2 (tripeptidyl peptidase 2; plus strand). Cytogenetic location: 13q33.1.
Variant type: single nucleotide variant.
Coding change: c.1645G>T on transcript NM_001330588.2 (MANE Select); coding-DNA position 1645, G replaced by T.
Protein change: p.Val549Phe; replaces valine 549 with phenylalanine.
Molecular consequence: missense variant. On other transcripts: non-coding transcript variant (1).
Genome position (GRCh38, 1-based): chr13:102,636,359, G>T. VCF-style: chr13-102636359-G-T. GRCh37 (hg19) VCF-style: chr13-103288709-G-T.
Other names: c.1645G>T, p.Val549Phe (NM_001367947.1, NM_003291.4); short protein forms V549F.
Identifiers: ClinVar variation 3671933 (VCV003671933.2).
Genomic context (GRCh38, chr13:102,636,359, plus strand): 5'-AATAACCGTGGCATCTACCTCCGAGATCCTGTTCAGGTGGCTGCACCTTCAGATCATGGC[G>T]TTGGCATTGAACCTGTATTTCCGGAGAACACAGGTCAGTAATAGGCTGGCAGTAAGCTGA-3'
Protein context (NP_001317517.1, residues 539-559): VQVAAPSDHG[Val549Phe]GIEPVFPENT